The following is an entry in ClinVar:

NM_001367721.1(CASK):c.2573C>T (p.Ala858Val)

Gene: CASK (calcium/calmodulin dependent serine protein kinase; minus strand). Cytogenetic location: Xp11.4.
Variant type: single nucleotide variant.
Coding change: c.2573C>T on transcript NM_001367721.1 (MANE Select); coding-DNA position 2573, C replaced by T.
Protein change: p.Ala858Val; replaces alanine 858 with valine.
Molecular consequence: missense variant.
Genome position (GRCh38, 1-based): chrX:41,523,982, G>A on the plus strand (C>T on the coding strand, the complement: CASK is on the minus strand). VCF-style: chrX-41523982-G-A. GRCh37 (hg19) VCF-style: chrX-41383235-G-A.
Other names: c.2489C>T, p.Ala830Val (NM_001126054.3); c.2486C>T, p.Ala829Val (NM_001126055.3); c.2555C>T, p.Ala852Val (NM_001410745.1); c.2558C>T, p.Ala853Val (NM_003688.4); short protein forms A852V, A853V, A829V, A830V, A858V.
Identifiers: ClinVar variation 2794695 (VCV002794695.4), dbSNP rs2519663328, ClinGen allele CA412989120.

ClinVar aggregate classification (germline): Conflicting classifications of pathogenicity. Review status: criteria provided, conflicting classifications (1 of 4 stars). 2 submissions from 2 submitters: Uncertain significance (1); Likely benign (1). Last evaluated 2023-11-07.

Conditions:
Intellectual disability, CASK-related, X-linked. Identifiers: MedGen CN043158.

Allele frequency attached by ClinVar (database versions not stated): gnomAD exomes below 0.00001.
gnomAD v4.1: 5 of 1,200,688 alleles (0.00042%); highest among the groups gnomAD compares: Non-Finnish European, 0.00056%; no homozygotes.

Submissions (2):

Labcorp Genetics (formerly Invitae), Labcorp
Classification: Uncertain significance for Intellectual disability, CASK-related, X-linked. Last evaluated: 2023-11-07. Review status: criteria provided, single submitter. Criteria: Invitae Variant Classification Sherloc (09022015). Collection method: clinical testing. Allele origin: germline.
Comment: This sequence change replaces alanine, which is neutral and non-polar, with valine, which is neutral and non-polar, at codon 853 of the CASK protein (p.Ala853Val). This variant is not present in population databases (gnomAD no frequency). This variant has not been reported in the literature in individuals affected with CASK-related conditions. Advanced modeling of protein sequence and biophysical properties (such as structural, functional, and spatial information, amino acid conservation, physicochemical variation, residue mobility, and thermodynamic stability) has been performed at Invitae for this missense variant, however the output from this modeling did not meet the statistical confidence thresholds required to predict the impact of this variant on CASK protein function. In summary, the available evidence is currently insufficient to determine the role of this variant in disease. Therefore, it has been classified as a Variant of Uncertain Significance.

Blueprint Genetics
Classification: Likely benign. Last evaluated: 2019-04-29. Review status: criteria provided, single submitter. Criteria: ACMG Guidelines, 2015. Collection method: clinical testing. Allele origin: germline.